The following is an entry in ClinVar:

NM_015570.4(AUTS2):c.2040T>G (p.Phe680Leu)

Gene: AUTS2 (activator of transcription and developmental regulator AUTS2; plus strand). Cytogenetic location: 7q11.22.
Variant type: single nucleotide variant.
Coding change: c.2040T>G on transcript NM_015570.4 (MANE Select); coding-DNA position 2040, T replaced by G.
Protein change: p.Phe680Leu; replaces phenylalanine 680 with leucine.
Molecular consequence: missense variant.
Genome position (GRCh38, 1-based): chr7:70,781,650, T>G. VCF-style: chr7-70781650-T-G. GRCh37 (hg19) VCF-style: chr7-70246636-T-G.
Other names: c.1968T>G, p.Phe656Leu (NM_001127231.3); short protein forms F656L, F680L.
Identifiers: ClinVar variation 4530726 (VCV004530726.1).
Genomic context (GRCh38, chr7:70,781,650, plus strand): 5'-CCTTACTGTTCCCCTTGCTGTGTAGAAACAGATGCAGTCAGACCCACATAAGCTGGACTT[T>G]GGACTGAAACCTGAGTTCCTGAGCCGCCCTCCAGGCCCCAGTCTTTTTGGAGCCATCCAC-3'
Protein context (NP_056385.1, residues 670-690): QMQSDPHKLD[Phe680Leu]GLKPEFLSRP

ClinVar aggregate classification (germline): Uncertain significance (1 of 4 stars; one submission).

Submission:

GeneDx
Classification: Uncertain significance. Last evaluated: 2025-05-22. Review status: criteria provided, single submitter. Criteria: GeneDx Variant Classification Process June 2021. Collection method: clinical testing. Allele origin: germline. Affected: yes.
Comment: Not observed at significant frequency in large population cohorts (gnomAD); In silico analysis suggests that this missense variant does not alter protein structure/function; In silico analysis is inconclusive as to whether the variant alters gene splicing. In the absence of RNA/functional studies, the actual effect of this sequence change is unknown; Has not been previously published as pathogenic or benign to our knowledge